The following is an entry in ClinVar:

ClinVar aggregate classification (germline): Uncertain significance (1 of 4 stars; one submission).

Conditions:
Hereditary cancer-predisposing syndrome. Also called: Neoplastic Syndromes, Hereditary; Tumor predisposition; Hereditary Cancer Syndrome; Hereditary neoplastic syndrome. Identifiers: Orphanet 140162, MedGen C0027672, MeSH D009386, MONDO:0015356.

Submission:

Ambry Genetics
Classification: Uncertain significance for Hereditary cancer-predisposing syndrome. Last evaluated: 2026-06-24. Review status: criteria provided, single submitter. Criteria: Ambry Variant Classification Scheme 2023. Collection method: clinical testing. Allele origin: germline.
Comment: The p.C163R variant (also known as c.487T>C), located in coding exon 5 of the BMPR1A gene, results from a T to C substitution at nucleotide position 487. The cysteine at codon 163 is replaced by arginine, an amino acid with highly dissimilar properties. This variant was reported in individual(s) with features consistent with BMPR1A-related juvenile polyposis syndrome (Ambry internal data). This amino acid position is conserved. In addition, this alteration is predicted to be deleterious by in silico analysis. Based on the available evidence, the clinical significance of this variant remains unclear.

NM_004329.3(BMPR1A):c.487T>C (p.Cys163Arg)

Gene: BMPR1A (bone morphogenetic protein receptor type 1A; plus strand). Cytogenetic location: 10q23.2.
Variant type: single nucleotide variant.
Coding change: c.487T>C on transcript NM_004329.3 (MANE Select); coding-DNA position 487, T replaced by C.
Protein change: p.Cys163Arg; replaces cysteine 163 with arginine.
Molecular consequence: missense variant. On other transcripts: non-coding transcript variant (3), intron variant (1).
Genome position (GRCh38, 1-based): chr10:86,900,083, T>C. VCF-style: chr10-86900083-T-C. GRCh37 (hg19) VCF-style: chr10-88659840-T-C.
Other names: c.487T>C, p.Cys163Arg (NM_001406583.1, NM_001406576.1, NM_001406577.1 and 22 more transcripts); c.403T>C, p.Cys135Arg (NM_001406584.1, NM_001406585.1, NM_001406586.1 and 2 more transcripts); c.333+7854T>C (NM_001406589.1); short protein forms C135R, C163R.
Identifiers: ClinVar variation 4214375 (VCV004214375.2).